The following is an entry in ClinVar:

ClinVar aggregate classification (germline): Uncertain significance (1 of 4 stars; one submission).

Allele frequency attached by ClinVar (database versions not stated): gnomAD 0.00002; TOPMed 0.00002; gnomAD exomes 0.00003.
gnomAD v4.1: 49 of 1,613,468 alleles (0.003%); highest among the groups gnomAD compares: South Asian, 0.0077%; no homozygotes.

Submission:

GeneDx
Classification: Uncertain significance. Last evaluated: 2023-03-01. Review status: criteria provided, single submitter. Criteria: GeneDx Variant Classification Process June 2021. Collection method: clinical testing. Allele origin: germline. Affected: yes.
Comment: Has not been previously published as pathogenic or benign to our knowledge; In silico analysis supports that this missense variant does not alter protein structure/function

NM_173076.3(ABCA12):c.2851G>A (p.Glu951Lys)

Gene: ABCA12 (ATP binding cassette subfamily A member 12; minus strand). Cytogenetic location: 2q35.
Variant type: single nucleotide variant.
Coding change: c.2851G>A on transcript NM_173076.3 (MANE Select); coding-DNA position 2851, G replaced by A.
Protein change: p.Glu951Lys; replaces glutamic acid 951 with lysine.
Molecular consequence: missense variant. On other transcripts: non-coding transcript variant (1).
Genome position (GRCh38, 1-based): chr2:215,001,570, C>T on the plus strand (G>A on the coding strand, the complement: ABCA12 is on the minus strand). VCF-style: chr2-215001570-C-T. GRCh37 (hg19) VCF-style: chr2-215866294-C-T.
Other names: c.1897G>A, p.Glu633Lys (NM_015657.4); short protein forms E633K, E951K.
Identifiers: ClinVar variation 2578098 (VCV002578098.1), dbSNP rs1353723813, ClinGen allele CA350477908.